The following is an entry in ClinVar:

NM_006842.3(SF3B2):c.1320+3C>G

Gene: SF3B2 (splicing factor 3b subunit 2; plus strand). Cytogenetic location: 11q13.1.
Variant type: single nucleotide variant.
Coding change: c.1320+3C>G on transcript NM_006842.3 (MANE Select); 3 bases into the intron after coding-DNA position 1320, C replaced by G.
Molecular consequence: intron variant.
Genome position (GRCh38, 1-based): chr11:66,059,341, C>G. VCF-style: chr11-66059341-C-G. GRCh37 (hg19) VCF-style: chr11-65826812-C-G.
Identifiers: ClinVar variation 4885671 (VCV004885671.2).
Genomic context (GRCh38, chr11:66,059,341, plus strand): 5'-GAAGGGATTTGAAGAGGAGCACAAGGACAGTGATGATGACAGCAGTGATGACGAGCAGGT[C>G]AGGCCCAGCCCTCCTGGTGGGAAGCAGGGACTCTGGGCACAGGTGGCTGAGATGCATCCA-3'

ClinVar aggregate classification (germline): Uncertain significance (1 of 4 stars; one submission).

Submission:

Dasa
Classification: Uncertain significance. Last evaluated: 2024-06-17. Review status: criteria provided, single submitter. Criteria: DASA Assertion Criteria. Collection method: clinical testing. Allele origin: germline.
Comment: NM_006842.3(SF3B2):c.1320+3C>G is a splice-region variant. This variant is rare in population databases. Computational prediction algorithms are consistent with a benign effect. The currently available literature and clinical evidence are not sufficient to establish a definitive association between this variant and the reported condition. Therefore, this variant is classified as a variant of uncertain significance.